The following is an entry in ClinVar:

ClinVar aggregate classification (germline): Uncertain significance. Review status: criteria provided, multiple submitters, no conflicts (2 of 4 stars). 2 submissions from 2 submitters: Uncertain significance (2). Last evaluated 2024-05-14.

Conditions:
Autosomal recessive nonsyndromic hearing loss 9. Also called: Deafness, autosomal recessive 9; NEUROSENSORY NONSYNDROMIC RECESSIVE DEAFNESS 9; OTOF-Related Hearing Loss; AUDITORY NEUROPATHY, AUTOSOMAL RECESSIVE, 1, TEMPERATURE-SENSITIVE. Identifiers: Orphanet 90636, MedGen C1832828, MONDO:0010986, OMIM 601071.

Allele frequency attached by ClinVar (database versions not stated): gnomAD exomes below 0.00001 and 0.00007; ExAC 0.00001; gnomAD 0.00002; TOPMed 0.00002; ESP Exome Variant Server 0.00008.
gnomAD v4.1: 97 of 1,613,212 alleles (0.006%); highest among the groups gnomAD compares: Non-Finnish European, 0.0081%; no homozygotes.

Submissions (2):

GeneDx
Classification: Uncertain significance. Last evaluated: 2024-05-14. Review status: criteria provided, single submitter. Criteria: GeneDx Variant Classification Process June 2021. Collection method: clinical testing. Allele origin: germline. Affected: yes.
Comment: Not observed at significant frequency in large population cohorts (gnomAD); In silico analysis indicates that this missense variant does not alter protein structure/function; Has not been previously published as pathogenic or benign to our knowledge

Illumina Laboratory Services, Illumina
Classification: Uncertain significance for Autosomal recessive nonsyndromic hearing loss 9. Last evaluated: 2017-04-27. Review status: criteria provided, single submitter. Criteria: ICSL Variant Classification Criteria 13 December 2019. Collection method: clinical testing. Allele origin: germline.

NM_194248.3(OTOF):c.1489G>A (p.Val497Met)

Gene: OTOF (otoferlin; minus strand). Cytogenetic location: 2p23.3.
Variant type: single nucleotide variant.
Coding change: c.1489G>A on transcript NM_194248.3 (MANE Select); coding-DNA position 1489, G replaced by A.
Protein change: p.Val497Met; replaces valine 497 with methionine.
Molecular consequence: missense variant.
Genome position (GRCh38, 1-based): chr2:26,482,496, C>T on the plus strand (G>A on the coding strand, the complement: OTOF is on the minus strand). VCF-style: chr2-26482496-C-T. GRCh37 (hg19) VCF-style: chr2-26705364-C-T.
Other names: c.1489G>A, p.Val497Met (NM_001287489.2); short protein forms V497M.
Identifiers: ClinVar variation 899267 (VCV000899267.5), dbSNP rs144012583, ClinGen allele CA1564259.
Genomic context (GRCh38, chr2:26,482,496, plus strand): 5'-GGTCAATGAAGTGGGTGCCGATGGCCACGTCGTTGACCTTGTCCGAGTCTCGGATCTGCA[C>T]CTTCATGCGTTTGCAGAGTGGGGGGAAGAGGTCTGTAAAGACGACCTGCTCATTCCACAG-3'
Protein context (NP_919224.1, residues 487-507): LFPPLCKRMK[Val497Met]QIRDSDKVND